The following is an entry in ClinVar:

NM_005612.5(REST):c.1662_1667del (p.Asn554_Gln556delinsLys)

Gene: REST (RE1 silencing transcription factor; plus strand). Cytogenetic location: 4q12.
Variant type: Deletion.
Coding change: c.1662_1667del on transcript NM_005612.5 (MANE Select); coding-DNA positions 1662 to 1667, 6 bases deleted (TAGTCA; older notation c.1662_1667delTAGTCA).
Protein change: p.Asn554_Gln556delinsLys.
Molecular consequence: inframe indel.
Genome position (GRCh38, 1-based): chr4:56,930,520-56,930,525, TAGTCA deleted; deleting any 6 consecutive bases within chr4:56,930,519-56,930,525 gives the same sequence; the c. name uses the placement nearest the transcript's 3' end. VCF-style (leftmost placement, unchanged base first): chr4-56930518-AATAGTC-A. GRCh37 (hg19) VCF-style: chr4-57796684-AATAGTC-A.
Other names: c.1662_1667delTAGTCA, p.Asn554_Gln556delinsLys (NM_001193508.2, NM_001363453.3).
Identifiers: ClinVar variation 3701061 (VCV003701061.2).

ClinVar aggregate classification (germline): Uncertain significance (1 of 4 stars; one submission).

Submission:

Labcorp Genetics (formerly Invitae), Labcorp
Classification: Uncertain significance. Last evaluated: 2024-09-26. Review status: criteria provided, single submitter. Criteria: Invitae Variant Classification Sherloc (09022015). Collection method: clinical testing. Allele origin: germline.
Comment: This variant, c.1662_1667del, is a complex sequence change that results in the deletion of 3 and insertion of 1 amino acid(s) in the REST protein (p.Asn554_Gln556delinsLys). This variant is not present in population databases (gnomAD no frequency). This variant has not been reported in the literature in individuals affected with REST-related conditions. Experimental studies and prediction algorithms are not available or were not evaluated, and the functional significance of this variant is currently unknown. In summary, the available evidence is currently insufficient to determine the role of this variant in disease. Therefore, it has been classified as a Variant of Uncertain Significance.